The following is an entry in ClinVar:

ClinVar aggregate classification (germline): Benign/Likely benign. Review status: criteria provided, multiple submitters, no conflicts (2 of 4 stars). 6 submissions from 6 submitters: Benign (4); Likely benign (2). Last evaluated 2026-05-08.

Conditions:
Left ventricular noncompaction 8 (LVNC8). Identifiers: Orphanet 154, Orphanet 54260, MedGen C3809288, MONDO:0014152, OMIM 615373.

Allele frequency attached by ClinVar (database versions not stated): gnomAD exomes 0.00015 and 0.00043; ExAC 0.00050; gnomAD 0.00134 and 0.00137; TOPMed 0.00152; ESP Exome Variant Server 0.00181; 1000 Genomes Project 30x 0.00234; 1000 Genomes Project 0.00240.
gnomAD v4.1: 449 of 1,613,288 alleles (0.028%); highest among the groups gnomAD compares: African/African-American, 0.47%; 2 homozygotes.

Submissions (6):

Women's Health and Genetics/Laboratory Corporation of America, LabCorp
Classification: Benign. Last evaluated: 2026-05-08. Review status: criteria provided, single submitter. Criteria: LabCorp Variant Classification Summary - May 2015. Collection method: clinical testing. Allele origin: germline.

Labcorp Genetics (formerly Invitae), Labcorp
Classification: Benign for Left ventricular noncompaction 8. Last evaluated: 2026-01-28. Review status: criteria provided, single submitter. Criteria: Invitae Variant Classification Sherloc (09022015). Collection method: clinical testing. Allele origin: germline.

Blueprint Genetics
Classification: Likely benign. Last evaluated: 2024-11-20. Review status: criteria provided, single submitter. Criteria: ACMG Guidelines, 2015. Collection method: clinical testing. Allele origin: germline.

ARUP Laboratories, Molecular Genetics and Genomics, ARUP Laboratories
Classification: Benign. Last evaluated: 2024-03-20. Review status: criteria provided, single submitter. Criteria: ARUP Molecular Germline Variant Investigation Process 2024. Collection method: clinical testing. Allele origin: germline.

GeneDx
Classification: Likely benign. Last evaluated: 2021-06-08. Review status: criteria provided, single submitter. Criteria: GeneDx Variant Classification Process June 2021. Collection method: clinical testing. Allele origin: germline. Affected: yes.

Laboratory for Molecular Medicine, Mass General Brigham Personalized Medicine
Classification: Benign. Last evaluated: 2014-11-24. Review status: criteria provided, single submitter. Criteria: LMM Criteria. Collection method: clinical testing. Allele origin: germline. Observed: 1 variant allele.
Comment: Ala1229Ala in exon 16 of PRDM16: This variant is not expected to have clinical s ignificance because it does not alter an amino acid residue and is not located w ithin the splice consensus sequence. It has been identified in 0.6% (22/3884) of African American chromosomes from a broad population by the NHLBI Exome Sequenc ing Project (dbSNP rs188634763).

NM_022114.4(PRDM16):c.3687T>C (p.Ala1229=)

Gene: PRDM16 (PR/SET domain 16; plus strand). Cytogenetic location: 1p36.32.
Variant type: single nucleotide variant.
Coding change: c.3687T>C on transcript NM_022114.4 (MANE Select); coding-DNA position 3687, T replaced by C.
Protein change: p.Ala1229=; no amino-acid change (alanine 1229 retained).
Molecular consequence: synonymous variant.
Genome position (GRCh38, 1-based): chr1:3,432,131, T>C. VCF-style: chr1-3432131-T-C. GRCh37 (hg19) VCF-style: chr1-3348695-T-C.
Other names: c.3687T>C, p.Ala1229= (NM_199454.3).
Identifiers: ClinVar variation 227037 (VCV000227037.21), dbSNP rs188634763, ClinGen allele CA544934.